The following is an entry in ClinVar:

ClinVar aggregate classification (germline): Conflicting classifications of pathogenicity. Review status: criteria provided, conflicting classifications (1 of 4 stars). 2 submissions from 2 submitters: Uncertain significance (1); Likely benign (1). Last evaluated 2026-01-21.

Conditions:
Hereditary cancer-predisposing syndrome. Also called: Tumor predisposition; Neoplastic Syndromes, Hereditary; Hereditary Cancer Syndrome; Hereditary neoplastic syndrome. Identifiers: Orphanet 140162, MedGen C0027672, MeSH D009386, MONDO:0015356.
POLD1-related polyposis and colorectal cancer syndrome (CRCS10). Also called: Colorectal cancer 10; COLORECTAL CANCER, SUSCEPTIBILITY TO, ON CHROMOSOME 19q; Colorectal cancer, susceptibility to, 10. Identifiers: Orphanet 220460, MedGen C2675481, MONDO:0012953, OMIM 612591.

Submissions (2):

Labcorp Genetics (formerly Invitae), Labcorp
Classification: Uncertain significance for POLD1-related polyposis and colorectal cancer syndrome. Last evaluated: 2026-01-21. Review status: criteria provided, single submitter. Criteria: Invitae Variant Classification Sherloc (09022015). Collection method: clinical testing. Allele origin: germline.
Comment: This sequence change replaces glycine, which is neutral and non-polar, with arginine, which is basic and polar, at codon 271 of the POLD1 protein (p.Gly271Arg). Information on the frequency of this variant in the gnomAD database is not available, as this variant may be reported differently in the database. This variant has not been reported in the literature in individuals affected with POLD1-related conditions. ClinVar contains an entry for this variant (Variation ID: 566099). Experimental studies and prediction algorithms are not available or were not evaluated, and the functional significance of this variant is currently unknown. In summary, the available evidence is currently insufficient to determine the role of this variant in disease. Therefore, it has been classified as a Variant of Uncertain Significance.

Ambry Genetics
Classification: Likely benign for Hereditary cancer-predisposing syndrome. Last evaluated: 2025-02-21. Review status: criteria provided, single submitter. Criteria: Ambry Variant Classification Scheme 2023. Collection method: clinical testing. Allele origin: germline.

NM_002691.4(POLD1):c.810_811inv (p.Gly271Arg)

Gene: POLD1 (DNA polymerase delta 1, catalytic subunit; plus strand). Cytogenetic location: 19q13.33.
Variant type: Inversion.
Coding change: c.810_811inv on transcript NM_002691.4 (MANE Select).
Protein change: p.Gly271Arg; replaces glycine 271 with arginine.
Molecular consequence: missense variant. On other transcripts: non-coding transcript variant (1).
Genome position: GRCh38 VCF-style: chr19-50402505-TG-CA. GRCh37 (hg19) VCF-style: chr19-50905762-TG-CA.
Other names: c.810_811inv, p.Gly271Arg (NM_001256849.1, NM_001308632.1); c.810_811delTGinsCA (NM_002691.2); short protein forms G271R.
Identifiers: ClinVar variation 566099 (VCV000566099.8), ClinGen allele CA891844171.